The following is an entry in ClinVar:

ClinVar aggregate classification (germline): Uncertain significance. Review status: criteria provided, multiple submitters, no conflicts (2 of 4 stars). 2 submissions from 2 submitters: Uncertain significance (2). Last evaluated 2021-08-20.

Allele frequency attached by ClinVar (database versions not stated): gnomAD exomes below 0.00001 and 0.00001.
gnomAD v4.1: 6 of 1,606,084 alleles (0.00037%); highest among the groups gnomAD compares: South Asian, 0.0044%; no homozygotes.

Submissions (2):

Labcorp Genetics (formerly Invitae), Labcorp
Classification: Uncertain significance. Last evaluated: 2021-08-20. Review status: criteria provided, single submitter. Criteria: Invitae Variant Classification Sherloc (09022015). Collection method: clinical testing. Allele origin: germline.
Comment: Algorithms developed to predict the effect of missense changes on protein structure and function are either unavailable or do not agree on the potential impact of this missense change (SIFT: "Deleterious"; PolyPhen-2: "Possibly Damaging"; Align-GVGD: "Class C0"). In summary, the available evidence is currently insufficient to determine the role of this variant in disease. Therefore, it has been classified as a Variant of Uncertain Significance. This variant has not been reported in the literature in individuals affected with ADGRV1-related conditions. This variant is not present in population databases (ExAC no frequency). This sequence change replaces glycine with aspartic acid at codon 5950 of the ADGRV1 protein (p.Gly5950Asp). The glycine residue is highly conserved and there is a moderate physicochemical difference between glycine and aspartic acid.

Blueprint Genetics
Classification: Uncertain significance. Last evaluated: 2017-11-13. Review status: criteria provided, single submitter. Criteria: ACMG Guidelines, 2015. Collection method: clinical testing. Allele origin: germline.

NM_032119.4(ADGRV1):c.17849G>A (p.Gly5950Asp)

Gene: ADGRV1 (adhesion G protein-coupled receptor V1; plus strand). Cytogenetic location: 5q14.3.
Variant type: single nucleotide variant.
Coding change: c.17849G>A on transcript NM_032119.4 (MANE Select); coding-DNA position 17849, G replaced by A.
Protein change: p.Gly5950Asp; replaces glycine 5950 with aspartic acid.
Molecular consequence: missense variant. On other transcripts: non-coding transcript variant (1).
Genome position (GRCh38, 1-based): chr5:90,863,850, G>A. VCF-style: chr5-90863850-G-A. GRCh37 (hg19) VCF-style: chr5-90159667-G-A.
Other names: short protein forms G5950D.
Identifiers: ClinVar variation 1437942 (VCV001437942.7), dbSNP rs868539312, ClinGen allele CA122813920.